The following is an entry in ClinVar:

ClinVar aggregate classification (germline): Likely pathogenic (1 of 4 stars; one submission).

Conditions:
Developmental and epileptic encephalopathy, 78. Also called: EPILEPTIC ENCEPHALOPATHY, EARLY INFANTILE, 78. Identifiers: MedGen C5231409, MONDO:0032812, OMIM 618557.

Submission:

Greenwood Genetic Center Diagnostic Laboratories, Greenwood Genetic Center
Classification: Likely pathogenic for Developmental and epileptic encephalopathy, 78. Last evaluated: 2024-10-29. Review status: criteria provided, single submitter. Criteria: ACMG Guidelines, 2015. Collection method: clinical testing. Allele origin: germline. Affected: yes.
Comment: PS2, PM2, PP2

NM_003403.5(YY1):c.1133C>G (p.Thr378Ser)

Gene: YY1 (YY1 transcription factor; plus strand). Cytogenetic location: 14q32.2.
Variant type: single nucleotide variant.
Coding change: c.1133C>G on transcript NM_003403.5 (MANE Select); coding-DNA position 1133, C replaced by G.
Protein change: p.Thr378Ser; replaces threonine 378 with serine.
Molecular consequence: missense variant.
Genome position (GRCh38, 1-based): chr14:100,277,488, C>G. VCF-style: chr14-100277488-C-G. GRCh37 (hg19) VCF-style: chr14-100743825-C-G.
Other names: short protein forms T378S.
Identifiers: ClinVar variation 3765735 (VCV003765735.1).